The following is an entry in ClinVar:

NM_001211.6(BUB1B):c.2536-11T>A

Gene: BUB1B (BUB1 mitotic checkpoint serine/threonine kinase B; plus strand). Cytogenetic location: 15q15.1.
Variant type: single nucleotide variant.
Coding change: c.2536-11T>A on transcript NM_001211.6 (MANE Select); 11 bases into the intron before coding-DNA position 2536, T replaced by A.
Molecular consequence: intron variant.
Genome position (GRCh38, 1-based): chr15:40,213,321, T>A. VCF-style: chr15-40213321-T-A. GRCh37 (hg19) VCF-style: chr15-40505522-T-A.
Identifiers: ClinVar variation 3706767 (VCV003706767.2).

ClinVar aggregate classification (germline): Uncertain significance (1 of 4 stars; one submission).

Conditions:
Mosaic variegated aneuploidy syndrome 1 (MVA1). Also called: Warburton-Anyane-Yeboa syndrome. Identifiers: Orphanet 1052, MedGen C1850343, MONDO:0009759, OMIM 257300.

gnomAD v4.1: 1 of 1,613,468 alleles (0.000062%); highest among the groups gnomAD compares: Non-Finnish European, 0.000085%; no homozygotes.

Submission:

Labcorp Genetics (formerly Invitae), Labcorp
Classification: Uncertain significance for Mosaic variegated aneuploidy syndrome 1. Last evaluated: 2024-07-08. Review status: criteria provided, single submitter. Criteria: Invitae Variant Classification Sherloc (09022015). Collection method: clinical testing. Allele origin: germline.
Comment: This sequence change falls in intron 19 of the BUB1B gene. It does not directly change the encoded amino acid sequence of the BUB1B protein. This variant is not present in population databases (gnomAD no frequency). This variant has not been reported in the literature in individuals affected with BUB1B-related conditions. Algorithms developed to predict the effect of sequence changes on RNA splicing suggest that this variant may disrupt the consensus splice site. In summary, the available evidence is currently insufficient to determine the role of this variant in disease. Therefore, it has been classified as a Variant of Uncertain Significance.